The following is an entry in ClinVar:

ClinVar aggregate classification (germline): Uncertain significance (1 of 4 stars; one submission).

Submission:

Labcorp Genetics (formerly Invitae), Labcorp
Classification: Uncertain significance. Last evaluated: 2022-09-27. Review status: criteria provided, single submitter. Criteria: Invitae Variant Classification Sherloc (09022015). Collection method: clinical testing. Allele origin: germline.
Comment: In summary, the available evidence is currently insufficient to determine the role of this variant in disease. Therefore, it has been classified as a Variant of Uncertain Significance. Experimental studies and prediction algorithms are not available or were not evaluated, and the functional significance of this variant is currently unknown. ClinVar contains an entry for this variant (Variation ID: 1375879). This missense change has been observed in individual(s) with clinical features of SLC6A19-related conditions (PMID: 30626930). Information on the frequency of this variant in the gnomAD database is not available, as this variant may be reported differently in the database. This sequence change replaces valine with methionine at codon 103 of the SLC6A19 protein (p.Val103Met). The valine residue is highly conserved and there is a small physicochemical difference between valine and methionine.

Literature cited by the submitters: PubMed 30626930.

NM_001003841.3(SLC6A19):c.306_307inv (p.Val103Met)

Gene: SLC6A19 (solute carrier family 6 member 19; plus strand). Cytogenetic location: 5p15.33.
Variant type: Inversion.
Coding change: c.306_307inv on transcript NM_001003841.3 (MANE Select).
Protein change: p.Val103Met; replaces valine 103 with methionine.
Molecular consequence: missense variant.
Genome position: GRCh38 VCF-style: chr5-1208849-TG-CA. GRCh37 (hg19) VCF-style: chr5-1208964-TG-CA.
Other names: short protein forms V103M.
Identifiers: ClinVar variation 1375879 (VCV001375879.5), ClinGen allele CA2573138392.